The following is an entry in ClinVar:

ClinVar aggregate classification (germline): Uncertain significance. Review status: criteria provided, multiple submitters, no conflicts (2 of 4 stars). 2 submissions from 2 submitters: Uncertain significance (2). Last evaluated 2025-12-20.

Allele frequency attached by ClinVar (database versions not stated): gnomAD 0.00001 and 0.00002; ExAC 0.00002; TOPMed 0.00003; gnomAD exomes 0.00004 and 0.00005.
gnomAD v4.1: 79 of 1,612,802 alleles (0.0049%); highest among the groups gnomAD compares: East Asian, 0.011%; no homozygotes.

Submissions (2):

Labcorp Genetics (formerly Invitae), Labcorp
Classification: Uncertain significance. Last evaluated: 2025-12-20. Review status: criteria provided, single submitter. Criteria: Invitae Variant Classification Sherloc (09022015). Collection method: clinical testing. Allele origin: germline.
Comment: This sequence change replaces proline, which is neutral and non-polar, with arginine, which is basic and polar, at codon 114 of the CARD8 protein (p.Pro114Arg). This variant is present in population databases (rs751433350, gnomAD 0.03%). This variant has not been reported in the literature in individuals affected with CARD8-related conditions. ClinVar contains an entry for this variant (Variation ID: 1515125). An algorithm developed to predict the effect of missense changes on protein structure and function (PolyPhen-2) suggests that this variant is likely to be disruptive. In summary, the available evidence is currently insufficient to determine the role of this variant in disease. Therefore, it has been classified as a Variant of Uncertain Significance.

Ambry Genetics
Classification: Uncertain significance. Last evaluated: 2025-04-25. Review status: criteria provided, single submitter. Criteria: Ambry Variant Classification Scheme 2023. Collection method: clinical testing. Allele origin: germline.

NM_001184900.3(CARD8):c.491C>G (p.Pro164Arg)

Gene: CARD8 (caspase recruitment domain family member 8; minus strand). Cytogenetic location: 19q13.33.
Variant type: single nucleotide variant.
Coding change: c.491C>G on transcript NM_001184900.3 (MANE Select); coding-DNA position 491, C replaced by G.
Protein change: p.Pro164Arg; replaces proline 164 with arginine.
Molecular consequence: missense variant. On other transcripts: non-coding transcript variant (4).
Genome position (GRCh38, 1-based): chr19:48,231,711, G>C on the plus strand (C>G on the coding strand, the complement: CARD8 is on the minus strand). VCF-style: chr19-48231711-G-C. GRCh37 (hg19) VCF-style: chr19-48734968-G-C.
Other names: c.491C>G (NM_001184900.1); c.341C>G, p.Pro114Arg (NM_001184901.1, NM_001351783.2, NM_001351788.2 and 2 more transcripts); c.491C>G, p.Pro164Arg (NM_001184902.2, NM_001184903.1, NM_001351782.2); c.176C>G, p.Pro59Arg (NM_001351784.2, NM_001351787.2, NM_001351791.2 and 2 more transcripts); c.155C>G, p.Pro52Arg (NM_001351786.2); c.248C>G, p.Pro83Arg (NM_001351790.2); short protein forms P164R, P83R, P52R, P114R, P59R.
Identifiers: ClinVar variation 1515125 (VCV001515125.9), dbSNP rs751433350, ClinGen allele CA9548008.